The following is an entry in ClinVar:

NM_002875.5(RAD51):c.830C>T (p.Ala277Val)

Gene: RAD51 (RAD51 recombinase; plus strand). Cytogenetic location: 15q15.1.
Variant type: single nucleotide variant.
Coding change: c.830C>T on transcript NM_002875.5 (MANE Select); coding-DNA position 830, C replaced by T.
Protein change: p.Ala277Val; replaces alanine 277 with valine.
Molecular consequence: missense variant. On other transcripts: intron variant (1).
Genome position (GRCh38, 1-based): chr15:40,729,908, C>T. VCF-style: chr15-40729908-C-T. GRCh37 (hg19) VCF-style: chr15-41022106-C-T.
Other names: c.833C>T, p.Ala278Val (NM_001164269.2, NM_133487.4); c.774+274C>T (NM_001164270.2); short protein forms A277V, A278V.
Identifiers: ClinVar variation 3706397 (VCV003706397.2).

ClinVar aggregate classification (germline): Uncertain significance (1 of 4 stars; one submission).

gnomAD v4.1: 23 of 1,614,052 alleles (0.0014%); highest among the groups gnomAD compares: East Asian, 0.0089%; no homozygotes.

Submission:

Labcorp Genetics (formerly Invitae), Labcorp
Classification: Uncertain significance. Last evaluated: 2025-06-01. Review status: criteria provided, single submitter. Criteria: Invitae Variant Classification Sherloc (09022015). Collection method: clinical testing. Allele origin: germline.
Comment: This sequence change replaces alanine, which is neutral and non-polar, with valine, which is neutral and non-polar, at codon 277 of the RAD51 protein (p.Ala277Val). This variant is present in population databases (rs532630164, gnomAD 0.01%). This variant has not been reported in the literature in individuals affected with RAD51-related conditions. ClinVar contains an entry for this variant (Variation ID: 3706397). An algorithm developed to predict the effect of missense changes on protein structure and function (PolyPhen-2) suggests that this variant is likely to be tolerated. In summary, the available evidence is currently insufficient to determine the role of this variant in disease. Therefore, it has been classified as a Variant of Uncertain Significance.